The following is an entry in ClinVar:

ClinVar aggregate classification (germline): Benign/Likely benign. Review status: criteria provided, multiple submitters, no conflicts (2 of 4 stars). 3 submissions from 3 submitters: Benign (1); Likely benign (2). Last evaluated 2026-06-17.

Conditions:
Hereditary cancer-predisposing syndrome. Also called: Tumor predisposition; Hereditary neoplastic syndrome; Neoplastic Syndromes, Hereditary; Hereditary Cancer Syndrome. Identifiers: Orphanet 140162, MedGen C0027672, MeSH D009386, MONDO:0015356.
Gastrointestinal stromal tumor. Also called: Gastrointestinal stroma tumor; Gastrointestinal stromal tumor, somatic. Identifiers: Orphanet 44890, MedGen C0238198, MeSH D046152, MONDO:0011719, OMIM 606764, HP:0100723.
Polyps, multiple and recurrent inflammatory fibroid, gastrointestinal. Identifiers: MedGen C5193005, MONDO:0008285, OMIM 175510.

Allele frequency attached by ClinVar (database versions not stated): TOPMed 0.00001.

Submissions (3):

Myriad Genetics, Inc.
Classification: Benign for Polyps, multiple and recurrent inflammatory fibroid, gastrointestinal. Last evaluated: 2026-06-17. Review status: criteria provided, single submitter. Criteria: Myriad Autosomal Dominant, Autosomal Recessive and X-Linked Classification Criteria (2023). Collection method: clinical testing. Allele origin: unknown.
Comment: This variant is considered benign. This variant is a silent/synonymous amino acid change and it is not expected to impact splicing.

Labcorp Genetics (formerly Invitae), Labcorp
Classification: Likely benign for Gastrointestinal stromal tumor. Last evaluated: 2025-09-11. Review status: criteria provided, single submitter. Criteria: Invitae Variant Classification Sherloc (09022015). Collection method: clinical testing. Allele origin: germline.

Ambry Genetics
Classification: Likely benign for Hereditary cancer-predisposing syndrome. Last evaluated: 2022-12-27. Review status: criteria provided, single submitter. Criteria: Ambry Variant Classification Scheme 2023. Collection method: clinical testing. Allele origin: germline.

NM_006206.6(PDGFRA):c.1488C>G (p.Thr496=)

Gene: PDGFRA (platelet derived growth factor receptor alpha; plus strand). Cytogenetic location: 4q12.
Variant type: single nucleotide variant.
Coding change: c.1488C>G on transcript NM_006206.6 (MANE Select); coding-DNA position 1488, C replaced by G.
Protein change: p.Thr496=; no amino-acid change (threonine 496 retained).
Molecular consequence: synonymous variant.
Genome position (GRCh38, 1-based): chr4:54,273,660, C>G. VCF-style: chr4-54273660-C-G. GRCh37 (hg19) VCF-style: chr4-55139827-C-G.
Other names: c.1488C>G, p.Thr496= (NM_001347827.2, NM_001347829.2); c.1563C>G, p.Thr521= (NM_001347828.2); c.1527C>G, p.Thr509= (NM_001347830.2).
Identifiers: ClinVar variation 459003 (VCV000459003.13), dbSNP rs1001537658, ClinGen allele CA96858850.